The following is an entry in ClinVar:

NM_000492.4(CFTR):c.1766G>T (p.Ser589Ile)

Gene: CFTR (CF transmembrane conductance regulator; plus strand). Cytogenetic location: 7q31.2.
Variant type: single nucleotide variant.
Coding change: c.1766G>T on transcript NM_000492.4 (MANE Select); coding-DNA position 1766, G replaced by T.
Protein change: p.Ser589Ile; replaces serine 589 with isoleucine.
Molecular consequence: missense variant.
Genome position (GRCh38, 1-based): chr7:117,590,439, G>T. VCF-style: chr7-117590439-G-T. GRCh37 (hg19) VCF-style: chr7-117230493-G-T.
Other names: short protein forms S589I.
Identifiers: ClinVar variation 53384 (VCV000053384.7), dbSNP rs397508300, ClinGen allele CA326669.
Genomic context (GRCh38, chr7:117,590,439, plus strand): 5'-ATTTATTAGACTCTCCTTTTGGATACCTAGATGTTTTAACAGAAAAAGAAATATTTGAAA[G>T]GTATGTTCTTTGAATACCTTACTTATAATGCTCATGCTAAAATAAAAGAAAGACAGACTG-3'
Protein context (NP_000483.3, residues 579-599): DVLTEKEIFE[Ser589Ile]CVCKLMANKT

ClinVar aggregate classification (germline): Pathogenic/Likely pathogenic. Review status: criteria provided, multiple submitters, no conflicts (2 of 4 stars). 3 submissions from 3 submitters: Pathogenic (1); Likely pathogenic (1). 1 of the submissions does not count toward it. Last evaluated 2022-06-25.

Conditions:
Cystic fibrosis (CF). Also called: MUCOVISCIDOSIS. Identifiers: Orphanet 586, MedGen C0010674, MONDO:0009061, OMIM 219700. Disease mechanism: loss of function.
Congenital bilateral aplasia of vas deferens from CFTR mutation (CBAVD). Identifiers: Orphanet 48, MedGen C0403814, MONDO:0010178, OMIM 277180. Disease mechanism: loss of function.

Submissions (3):

Labcorp Genetics (formerly Invitae), Labcorp
Classification: Pathogenic for Cystic fibrosis. Last evaluated: 2022-06-25. Review status: criteria provided, single submitter. Criteria: Invitae Variant Classification Sherloc (09022015). Collection method: clinical testing. Allele origin: germline.
Comment: Algorithms developed to predict the effect of missense changes on protein structure and function (SIFT, PolyPhen-2, Align-GVGD) all suggest that this variant is likely to be tolerated. ClinVar contains an entry for this variant (Variation ID: 53384). This missense change has been observed in individual(s) with cystic fibrosis (PMID: 16423550, 22362925, 26500004; Invitae). In at least one individual the data is consistent with being in trans (on the opposite chromosome) from a pathogenic variant. This variant is not present in population databases (gnomAD no frequency). This sequence change replaces serine, which is neutral and polar, with isoleucine, which is neutral and non-polar, at codon 589 of the CFTR protein (p.Ser589Ile). RNA analysis indicates that this missense change induces altered splicing and likely results in a shortened protein product. Variants that disrupt the consensus splice site are a relatively common cause of aberrant splicing (PMID: 17576681, 9536098). Studies have shown that this missense change results in skipping of exon 12, but is expected to preserve the integrity of the reading-frame (PMID: 22362925). For these reasons, this variant has been classified as Pathogenic. This variant disrupts the c.1766G nucleotide in the CFTR gene. Other variant(s) that disrupt this nucleotide have been determined to be pathogenic (PMID: 16379540; Invitae). This suggests that this nucleotide is clinically significant, and that variants that disrupt this position are likely to be disease-causing.

Baylor Genetics
Classification: Likely pathogenic for Congenital bilateral aplasia of vas deferens from CFTR mutation; Cystic fibrosis. Review status: criteria provided, single submitter. Criteria: ACMG Guidelines, 2015. Collection method: clinical testing. Allele origin: germline.

ClinVar Staff, National Center for Biotechnology Information (NCBI)
No classification provided. Condition: CFTR-related disorders. Review status: no classification provided. Collection method: literature only. Allele origin: germline. Affected: yes. Not counted in ClinVar's aggregate classification.

Literature cited by the submitters: PubMed 16423550 (cited by Labcorp Genetics (formerly Invitae), Labcorp and ClinVar Staff, National Center for Biotechnology Information (NCBI)); PubMed 22362925 (cited by Labcorp Genetics (formerly Invitae), Labcorp); PubMed 26500004 (cited by Labcorp Genetics (formerly Invitae), Labcorp); PubMed 17576681 (cited by Labcorp Genetics (formerly Invitae), Labcorp); PubMed 9536098 (cited by Labcorp Genetics (formerly Invitae), Labcorp); PubMed 16379540 (cited by Labcorp Genetics (formerly Invitae), Labcorp).